The following is an entry in ClinVar:

ClinVar aggregate classification (germline): Likely benign. Review status: criteria provided, multiple submitters, no conflicts (2 of 4 stars). 2 submissions from 2 submitters: Likely benign (2). Last evaluated 2024-12-18.

Conditions:
Lynch syndrome 5 (LYNCH5). Also called: Colorectal cancer, hereditary nonpolyposis, type 5; Hereditary non-polyposis colorectal cancer, type 5. Identifiers: Orphanet 144, MedGen C1833477, MONDO:0013710, OMIM 614350. Disease mechanism: loss of function.
Hereditary nonpolyposis colorectal neoplasms. Identifiers: MedGen C0009405, MeSH D003123.

gnomAD v4.1: 1 of 1,613,100 alleles (0.000062%); highest among the groups gnomAD compares: Non-Finnish European, 0.000085%; no homozygotes.

Submissions (2):

Myriad Genetics, Inc.
Classification: Likely benign for Lynch syndrome 5. Last evaluated: 2024-12-18. Review status: criteria provided, single submitter. Criteria: Myriad Autosomal Dominant, Autosomal Recessive and X-Linked Classification Criteria (2023). Collection method: clinical testing. Allele origin: unknown.
Comment: This variant is considered likely benign. This variant is intronic and is not expected to impact mRNA splicing.

Labcorp Genetics (formerly Invitae), Labcorp
Classification: Likely benign for Hereditary nonpolyposis colorectal neoplasms. Last evaluated: 2022-10-01. Review status: criteria provided, single submitter. Criteria: Invitae Variant Classification Sherloc (09022015). Collection method: clinical testing. Allele origin: germline.

NM_000179.3(MSH6):c.458-12A>G

Gene: MSH6 (mutS homolog 6; plus strand). Cytogenetic location: 2p16.3.
Variant type: single nucleotide variant.
Coding change: c.458-12A>G on transcript NM_000179.3 (MANE Select); 12 bases into the intron before coding-DNA position 458, A replaced by G.
Molecular consequence: intron variant.
Genome position (GRCh38, 1-based): chr2:47,795,882, A>G. VCF-style: chr2-47795882-A-G. GRCh37 (hg19) VCF-style: chr2-48023021-A-G.
Other names: c.-80A>G (NM_001406807.1); c.-279-2729A>G (NM_001281493.2); c.238-2729A>G (NM_001281492.2); c.-445-12A>G (NM_001281494.2).
Identifiers: ClinVar variation 2042143 (VCV002042143.5), dbSNP rs1558656383, ClinGen allele CA2580066943.
Genomic context (GRCh38, chr2:47,795,882, plus strand): 5'-TTGAACTGCTGGGATTACAGGCGTGAGCCTCTGCACCCGGCCCTTATTGTTTATAAATAC[A>G]TTTCTTTCTAGGTTCAAAATCAAAGGAAGCCCAGAAGGGAGGTCATTTTTACAGTGCAAA-3'